The following is an entry in ClinVar:

NM_001282531.3(ADNP):c.2742G>C (p.Lys914Asn)

Gene: ADNP (activity dependent neuroprotector homeobox; minus strand). Cytogenetic location: 20q13.13.
Variant type: single nucleotide variant.
Coding change: c.2742G>C on transcript NM_001282531.3 (MANE Select); coding-DNA position 2742, G replaced by C.
Protein change: p.Lys914Asn; replaces lysine 914 with asparagine.
Molecular consequence: missense variant.
Genome position (GRCh38, 1-based): chr20:50,891,972, C>G on the plus strand (G>C on the coding strand, the complement: ADNP is on the minus strand). VCF-style: chr20-50891972-C-G. GRCh37 (hg19) VCF-style: chr20-49508509-C-G.
Other names: c.2742G>C, p.Lys914Asn (NM_001282532.2, NM_001347511.2, NM_015339.5 and 1 more transcripts); short protein forms K914N.
Identifiers: ClinVar variation 2869591 (VCV002869591.3), dbSNP rs2515576114, ClinGen allele CA408968013.

ClinVar aggregate classification (germline): Uncertain significance (1 of 4 stars; one submission).

Submission:

Labcorp Genetics (formerly Invitae), Labcorp
Classification: Uncertain significance. Last evaluated: 2024-04-22. Review status: criteria provided, single submitter. Criteria: Invitae Variant Classification Sherloc (09022015). Collection method: clinical testing. Allele origin: germline.
Comment: This sequence change replaces lysine, which is basic and polar, with asparagine, which is neutral and polar, at codon 914 of the ADNP protein (p.Lys914Asn). This variant is not present in population databases (gnomAD no frequency). This variant has not been reported in the literature in individuals affected with ADNP-related conditions. An algorithm developed to predict the effect of missense changes on protein structure and function (PolyPhen-2) suggests that this variant is likely to be disruptive. In summary, the available evidence is currently insufficient to determine the role of this variant in disease. Therefore, it has been classified as a Variant of Uncertain Significance.